The following is an entry in ClinVar:

ClinVar aggregate classification (germline): Uncertain significance (1 of 4 stars; one submission).

Conditions:
Hereditary cancer-predisposing syndrome. Also called: Neoplastic Syndromes, Hereditary; Tumor predisposition; Hereditary neoplastic syndrome; Hereditary Cancer Syndrome. Identifiers: Orphanet 140162, MedGen C0027672, MeSH D009386, MONDO:0015356.

Submission:

Ambry Genetics
Classification: Uncertain significance for Hereditary cancer-predisposing syndrome. Last evaluated: 2023-12-08. Review status: criteria provided, single submitter. Criteria: Ambry Variant Classification Scheme 2023. Collection method: clinical testing. Allele origin: germline.
Comment: The p.H532D variant (also known as c.1594C>G), located in coding exon 15 of the POLE gene, results from a C to G substitution at nucleotide position 1594. The histidine at codon 532 is replaced by aspartic acid, an amino acid with similar properties. This amino acid position is conserved. In addition, this alteration is predicted to be deleterious by in silico analysis. Since supporting evidence is limited at this time, the clinical significance of this alteration remains unclear.

NM_006231.4(POLE):c.1594C>G (p.His532Asp)

Gene: POLE (DNA polymerase epsilon, catalytic subunit; minus strand). Cytogenetic location: 12q24.33.
Variant type: single nucleotide variant.
Coding change: c.1594C>G on transcript NM_006231.4 (MANE Select); coding-DNA position 1594, C replaced by G.
Protein change: p.His532Asp; replaces histidine 532 with aspartic acid.
Molecular consequence: missense variant.
Genome position (GRCh38, 1-based): chr12:132,672,719, G>C on the plus strand (C>G on the coding strand, the complement: POLE is on the minus strand). VCF-style: chr12-132672719-G-C. GRCh37 (hg19) VCF-style: chr12-133249305-G-C.
Other names: short protein forms H532D.
Identifiers: ClinVar variation 3225396 (VCV003225396.1), dbSNP rs2542134965, ClinGen allele CA387356878.
Genomic context (GRCh38, chr12:132,672,719, plus strand): 5'-AAACCCCAGACTCGAGGGCCTCCACGTGGCCCCCGACGTAGGTCTCAGAGTCCAGCACGT[G>C]TCCGTCGTCCGTCAGCTTATTGAACTCCTGCTCTTGCTTGTTGGGGAAGATGATGTTGGC-3'
Protein context (NP_006222.2, residues 522-542): QEFNKLTDDG[His532Asp]VLDSETYVGG